The following is an entry in ClinVar:

ClinVar aggregate classification (germline): Likely benign. Review status: reviewed by expert panel (3 of 4 stars). 7 submissions from 7 submitters: Likely benign (1). 6 of the submissions do not count toward it. Last evaluated 2017-06-29.

Conditions:
Hereditary breast ovarian cancer syndrome. Also called: Hereditary breast and ovarian cancer syndrome; Hereditary breast and ovarian cancer syndrome (HBOC); BRCA1- and BRCA2-Associated Hereditary Breast and Ovarian Cancer; Breast and ovarian cancer; Hereditary breast and ovarian cancer; Hereditary breast and/or ovarian cancer syndrome. Identifiers: Orphanet 145, MedGen C0677776, MeSH D061325, MONDO:0003582. Disease mechanism: loss of function.
Hereditary cancer-predisposing syndrome. Also called: Hereditary Cancer Syndrome; Hereditary neoplastic syndrome; Tumor predisposition; Neoplastic Syndromes, Hereditary. Identifiers: Orphanet 140162, MedGen C0027672, MeSH D009386, MONDO:0015356.
Breast-ovarian cancer, familial, susceptibility to, 1 (BROVCA1). Also called: OVARIAN CANCER, SUSCEPTIBILITY TO; BRCA1 Hereditary Breast and Ovarian Cancer. Identifiers: Orphanet 145, MedGen C2676676, MONDO:0011450, OMIM 604370. Disease mechanism: loss of function.

Allele frequency attached by ClinVar (database versions not stated): gnomAD exomes below 0.00001; TOPMed below 0.00001.
gnomAD v4.1: 1 of 1,613,562 alleles (0.000062%); highest among the groups gnomAD compares: Non-Finnish European, 0.000085%; no homozygotes.

Submissions (8):

Evidence-based Network for the Interpretation of Germline Mutant Alleles (ENIGMA)
Classification: Likely benign for Breast-ovarian cancer, familial, susceptibility to, 1. Last evaluated: 2017-06-29. Review status: reviewed by expert panel. Criteria: ENIGMA BRCA1/2 Classification Criteria (2017-06-29). Collection method: curation. Allele origin: germline.
Comment: Synonymous substitution variant, with low bioinformatic likelihood to result in a splicing aberration (Splicing prior probability 0.02).

Labcorp Genetics (formerly Invitae), Labcorp
Classification: Likely benign for Hereditary breast ovarian cancer syndrome. Last evaluated: 2026-01-27. Review status: criteria provided, single submitter. Criteria: Invitae Variant Classification Sherloc (09022015). Collection method: clinical testing. Allele origin: germline. Not counted in ClinVar's aggregate classification.

Women's Health and Genetics/Laboratory Corporation of America, LabCorp
Classification: Benign. Last evaluated: 2025-03-05. Review status: criteria provided, single submitter. Criteria: LabCorp Variant Classification Summary - May 2015. Collection method: clinical testing. Allele origin: germline. Not counted in ClinVar's aggregate classification.
Comment: Variant summary: BRCA1 c.123C>T alters a conserved nucleotide resulting in a synonymous change. Consensus agreement among computation tools predict no significant impact on normal splicing. However, these predictions have yet to be confirmed by functional studies. The variant was absent in 250784 control chromosomes. The available data on variant occurrences in the general population are insufficient to allow any conclusion about variant significance. To our knowledge, no occurrence of c.123C>T in individuals affected with Hereditary Breast And Ovarian Cancer Syndrome has been reported. At least one functional study reports experimental evidence evaluating an impact on protein function and showed no damaging effect of this variant on homology directed repair (HDR) activity (e.g. Findlay_2018). HDR assays qualify as a recognized gold standard on the basis of updated guidance provided by the ClinGen Sequence Variant Interpretation (SVI) working group. The following publication has been ascertained in the context of this evaluation (PMID: 30209399). ClinVar contains an entry for this variant (Variation ID: 185485). Based on the evidence outlined above, the variant was classified as benign.

All of Us Research Program, National Institutes of Health
Classification: Likely benign for Breast-ovarian cancer, familial, susceptibility to, 1. Last evaluated: 2023-08-08. Review status: criteria provided, single submitter. Criteria: ACMG Guidelines, 2015. Collection method: clinical testing. Allele origin: germline. Inheritance: Autosomal dominant inheritance. Observed: 2 variant alleles, 2 heterozygotes. Not counted in ClinVar's aggregate classification.
Comment: This study involves interpretation of variants in research participants for the purpose of population health screening. Participant phenotype was not available at the time of variant classification. Additional details can be found in publication PMID: 35346344, PMCID: PMC8962531

Color Diagnostics, LLC DBA Color Health
Classification: Likely benign for Hereditary cancer-predisposing syndrome. Last evaluated: 2023-07-20. Review status: criteria provided, single submitter. Criteria: ACMG Guidelines, 2015. Collection method: clinical testing. Allele origin: germline. Not counted in ClinVar's aggregate classification.

Ambry Genetics
Classification: Likely benign for Hereditary cancer-predisposing syndrome. Last evaluated: 2014-06-24. Review status: criteria provided, single submitter. Criteria: Ambry Variant Classification Scheme 2023. Collection method: clinical testing. Allele origin: germline. Not counted in ClinVar's aggregate classification.

Breakthrough Genomics
Classification: Likely benign. Review status: criteria provided, single submitter. Criteria: ACMG Guidelines, 2015. Collection method: not provided. Allele origin: germline. Inheritance: Autosomal dominant inheritance. Affected: yes. Not counted in ClinVar's aggregate classification.

Brotman Baty Institute, University of Washington
No classification provided (evidence only). Condition: Breast-ovarian cancer, familial 1. Review status: no classification provided. Collection method: in vitro. Allele origin: not applicable. Functional consequence: functionally_normal. Not counted in ClinVar's aggregate classification.
ClinVar note: "not provided" was previously submitted as the classification for the variant. However, the classification appeared to be based only on an observation of functional data so it was converted to no classification on 2025-07-30.

Literature cited by the submitters: PubMed 30209399 (cited by Women's Health and Genetics/Laboratory Corporation of America, LabCorp).

NM_007294.4(BRCA1):c.123C>T (p.His41=)

Gene: BRCA1 (BRCA1 DNA repair associated; minus strand). Cytogenetic location: 17q21.31.
Variant type: single nucleotide variant.
Coding change: c.123C>T on transcript NM_007294.4 (MANE Select); coding-DNA position 123, C replaced by T.
Protein change: p.His41=; no amino-acid change (histidine 41 retained).
Molecular consequence: synonymous variant. On other transcripts: 5 prime UTR variant (132), intron variant (41).
Genome position (GRCh38, 1-based): chr17:43,115,737, G>A on the plus strand (C>T on the coding strand, the complement: BRCA1 is on the minus strand). VCF-style: chr17-43115737-G-A. GRCh37 (hg19) VCF-style: chr17-41267754-G-A.
Other names: c.123C>T, p.His41= (NM_001407639.1, NM_001407640.1, NM_001407641.1 and 192 more transcripts); c.-135C>T (NM_001407694.1, NM_001407696.1, NM_001407724.1 and 13 more transcripts); c.-139C>T (NM_001407695.1, NM_001408465.1); c.-19C>T (NM_001407697.1, NM_001407725.1, NM_001407728.1 and 47 more transcripts); c.-15C>T (NM_001407841.1); c.-66C>T (NM_001407853.1, NM_001407879.1, NM_001407882.1 and 52 more transcripts); c.-182C>T (NM_001407889.1, NM_001407900.1, NM_001408492.1); c.-181C>T (NM_001407960.1, NM_001407962.1, NM_001408510.1 and 1 more transcripts); and 10 more.
Identifiers: ClinVar variation 185485 (VCV000185485.24), dbSNP rs786202211, ClinGen allele CA000814.
Genomic context (GRCh38, chr17:43,115,737, plus strand): 5'-GACAAAAACAAAAGCTAATAATGGAGCCACATAACACATTCAAACTTACTTGCAAAATAT[G>A]TGGTCACACTTTGTGGAGACAGGTTCCTTGATCAACTCCAGACTAGCAGGGTAGGGGGGG-3'
Protein context (NP_009225.1, residues 31-51): IKEPVSTKCD[His41=]IFCKFCMLKL